The following is an entry in ClinVar:

ClinVar aggregate classification (germline): Uncertain significance. Review status: criteria provided, multiple submitters, no conflicts (2 of 4 stars). 3 submissions from 3 submitters: Uncertain significance (3). Last evaluated 2025-01-03.

Conditions:
Inborn genetic diseases. Identifiers: MedGen C0950123, MeSH D030342.

Allele frequency attached by ClinVar (database versions not stated): gnomAD 0.00001; gnomAD exomes 0.00001; TOPMed 0.00003.
gnomAD v4.1: 13 of 1,578,478 alleles (0.00082%); highest among the groups gnomAD compares: Middle Eastern, 0.069%; no homozygotes.

Submissions (3):

Dasa
Classification: Uncertain significance. Last evaluated: 2025-01-03. Review status: criteria provided, single submitter. Criteria: DASA Assertion Criteria. Collection method: clinical testing. Allele origin: germline.
Comment: NM_005202.4(COL8A2):c.1276A>C (p.Lys426Gln) is a missense variant that results in the substitution of lysine with glutamine. This variant is rare in population databases. Computational prediction algorithms are consistent with a deleterious effect. The currently available literature and clinical evidence are not sufficient to establish a definitive association between this variant and the reported condition. Therefore, this variant is classified as a variant of uncertain significance.

Revvity Omics, Revvity
Classification: Uncertain significance. Last evaluated: 2024-03-21. Review status: criteria provided, single submitter. Criteria: ACMG Guidelines, 2015. Collection method: clinical testing. Allele origin: germline.

Ambry Genetics
Classification: Uncertain significance for Inborn genetic diseases. Last evaluated: 2022-07-19. Review status: criteria provided, single submitter. Criteria: Ambry Variant Classification Scheme 2023. Collection method: clinical testing. Allele origin: germline.

NM_005202.4(COL8A2):c.1276A>C (p.Lys426Gln)

Gene: COL8A2 (collagen type VIII alpha 2 chain; minus strand). Cytogenetic location: 1p34.3.
Variant type: single nucleotide variant.
Coding change: c.1276A>C on transcript NM_005202.4 (MANE Select); coding-DNA position 1276, A replaced by C.
Protein change: p.Lys426Gln; replaces lysine 426 with glutamine.
Molecular consequence: missense variant.
Genome position (GRCh38, 1-based): chr1:36,098,405, T>G on the plus strand (A>C on the coding strand, the complement: COL8A2 is on the minus strand). VCF-style: chr1-36098405-T-G. GRCh37 (hg19) VCF-style: chr1-36564006-T-G.
Other names: c.1081A>C, p.Lys361Gln (NM_001294347.2); short protein forms K361Q, K426Q.
Identifiers: ClinVar variation 2302231 (VCV002302231.5), dbSNP rs752690999, ClinGen allele CA764973.